The following is an entry in ClinVar:

NM_152906.7(TANGO2):c.628G>A (p.Glu210Lys)

Gene: TANGO2 (transport and golgi organization 2 homolog; plus strand). Cytogenetic location: 22q11.21.
Variant type: single nucleotide variant.
Coding change: c.628G>A on transcript NM_152906.7 (MANE Select); coding-DNA position 628, G replaced by A.
Protein change: p.Glu210Lys; replaces glutamic acid 210 with lysine.
Molecular consequence: missense variant. On other transcripts: synonymous variant (1), non-coding transcript variant (5), intron variant (1).
Genome position (GRCh38, 1-based): chr22:20,063,360, G>A. VCF-style: chr22-20063360-G-A. GRCh37 (hg19) VCF-style: chr22-20050883-G-A.
Other names: p.Glu210Lys; c.628G>A, p.Glu210Lys (NM_001283106.3, NM_001283116.3, NM_001322142.2); c.751G>A, p.Glu251Lys (NM_001283129.3, NM_001322141.2, NM_001322143.2); c.626G>A, p.Arg209Gln (NM_001283148.3, NM_001283154.3); c.442G>A, p.Glu148Lys (NM_001283179.3, NM_001283186.3, NM_001322163.2 and 2 more transcripts); c.403G>A, p.Glu135Lys (NM_001283199.3); c.334G>A, p.Glu112Lys (NM_001283235.3, NM_001322150.2, NM_001322153.2 and 6 more transcripts); c.288G>A, p.Ser96= (NM_001283248.3); and 6 more; short protein forms E148K, E176K, E210K, R175Q, R209Q, E112K, E251K, R147Q.
Identifiers: ClinVar variation 786376 (VCV000786376.16), dbSNP rs115183927, ClinGen allele CA10106516.

ClinVar aggregate classification (germline): Benign/Likely benign. Review status: criteria provided, multiple submitters, no conflicts (2 of 4 stars). 4 submissions from 4 submitters: Benign (2); Likely benign (2). Last evaluated 2026-01-31.

Allele frequency attached by ClinVar (database versions not stated): gnomAD exomes 0.00094 and 0.00254; ExAC 0.00308; 1000 Genomes Project 0.00919; gnomAD 0.00985 and 0.01054; TOPMed 0.01082; 1000 Genomes Project 30x 0.01093; ESP Exome Variant Server 0.01107.
gnomAD v4.1: 2,904 of 1,613,418 alleles (0.18%); highest among the groups gnomAD compares: African/African-American, 3.4%; 51 homozygotes.

Submissions (4):

Labcorp Genetics (formerly Invitae), Labcorp
Classification: Benign. Last evaluated: 2026-01-31. Review status: criteria provided, single submitter. Criteria: Invitae Variant Classification Sherloc (09022015). Collection method: clinical testing. Allele origin: germline.

Mayo Clinic Laboratories, Mayo Clinic
Classification: Benign. Last evaluated: 2024-02-20. Review status: criteria provided, single submitter. Criteria: ACMG Guidelines, 2015. Collection method: clinical testing. Allele origin: germline. Observed: 8 variant alleles.
Comment: BS1, BS2, BP4

GeneDx
Classification: Likely benign. Last evaluated: 2020-10-21. Review status: criteria provided, single submitter. Criteria: GeneDx Variant Classification Process June 2021. Collection method: clinical testing. Allele origin: germline. Affected: yes.

Breakthrough Genomics
Classification: Likely benign. Review status: criteria provided, single submitter. Criteria: ACMG Guidelines, 2015. Collection method: not provided. Allele origin: germline. Inheritance: Autosomal recessive inheritance. Affected: yes.